The following is an entry in ClinVar:

NM_000096.4(CP):c.1317_1318del (p.Gly440fs)

Gene: CP (ceruloplasmin; minus strand). Cytogenetic location: 3q25.1.
Variant type: Microsatellite.
Coding change: c.1317_1318del on transcript NM_000096.4 (MANE Select); coding-DNA positions 1317 to 1318, 2 bases deleted (AG; older notation c.1317_1318delAG).
Protein change: p.Gly440fs; shifts the reading frame from glycine 440.
Molecular consequence: frameshift variant. On other transcripts: non-coding transcript variant (1).
Genome position (GRCh38, 1-based): chr3:149,202,132-149,202,133, CT deleted on the plus strand (AG on the coding strand, the reverse complement: CP is on the minus strand); deleting any 2 consecutive bases within chr3:149,202,132-149,202,138 gives the same sequence; the c. name uses the placement nearest the transcript's 3' end. VCF-style (leftmost placement, unchanged base first): chr3-149202131-CCT-C. GRCh37 (hg19) VCF-style: chr3-148919918-CCT-C.
Other names: short protein forms G440fs.
Identifiers: ClinVar variation 1070975 (VCV001070975.7), dbSNP rs1727369694, ClinGen allele CA1410118103.

ClinVar aggregate classification (germline): Pathogenic (1 of 4 stars; one submission).

Conditions:
Deficiency of ferroxidase (ACEP). Also called: Deficiency of ceruloplasmin; Aceruloplasminemia; Ceruloplasmin deficiency; Familial apoceruloplasmin deficiency; Hereditary ceruloplasmin deficiency; NEURODEGENERATION WITH BRAIN IRON ACCUMULATION 10. Identifiers: Orphanet 48818, MedGen C0878682, MONDO:0011426, OMIM 604290, HP:0025498.

Submission:

Labcorp Genetics (formerly Invitae), Labcorp
Classification: Pathogenic for Deficiency of ferroxidase. Last evaluated: 2020-07-30. Review status: criteria provided, single submitter. Criteria: Invitae Variant Classification Sherloc (09022015). Collection method: clinical testing. Allele origin: germline.
Comment: This variant has not been reported in the literature in individuals with CP-related conditions. For these reasons, this variant has been classified as Pathogenic. Loss-of-function variants in CP are known to be pathogenic (PMID: 16629161). This variant is not present in population databases (ExAC no frequency). This sequence change creates a premature translational stop signal (p.Gly440Profs*2) in the CP gene. It is expected to result in an absent or disrupted protein product.

Literature cited by the submitters: PubMed 16629161.